The following is an entry in ClinVar:

ClinVar aggregate classification (germline): Uncertain significance. Review status: criteria provided, multiple submitters, no conflicts (2 of 4 stars). 3 submissions from 3 submitters: Uncertain significance (3). Last evaluated 2024-11-30.

Conditions:
Inborn genetic diseases. Identifiers: MedGen C0950123, MeSH D030342.

Allele frequency attached by ClinVar (database versions not stated): gnomAD exomes below 0.00001.
gnomAD v4.1: 1 of 1,613,698 alleles (0.000062%); highest among the groups gnomAD compares: African/African-American, 0.0013%; no homozygotes.

Submissions (3):

Ambry Genetics
Classification: Uncertain significance for Inborn genetic diseases. Last evaluated: 2024-11-30. Review status: criteria provided, single submitter. Criteria: Ambry Variant Classification Scheme 2023. Collection method: clinical testing. Allele origin: germline.
Comment: The p.S1224T variant (also known as c.3670T>A), located in coding exon 1 of the SAMD9L gene, results from a T to A substitution at nucleotide position 3670. The serine at codon 1224 is replaced by threonine, an amino acid with similar properties. This amino acid position is conserved. In addition, this alteration is predicted to be tolerated by in silico analysis. Based on the available evidence, the clinical significance of this variant remains unclear.

GeneDx
Classification: Uncertain significance. Last evaluated: 2024-01-17. Review status: criteria provided, single submitter. Criteria: GeneDx Variant Classification Process June 2021. Collection method: clinical testing. Allele origin: germline. Affected: yes.
Comment: Has not been previously published as pathogenic or benign to our knowledge; Not observed at significant frequency in large population cohorts (gnomAD); In silico analysis supports that this missense variant does not alter protein structure/function

Labcorp Genetics (formerly Invitae), Labcorp
Classification: Uncertain significance. Last evaluated: 2023-11-12. Review status: criteria provided, single submitter. Criteria: Invitae Variant Classification Sherloc (09022015). Collection method: clinical testing. Allele origin: germline.
Comment: This sequence change replaces serine, which is neutral and polar, with threonine, which is neutral and polar, at codon 1224 of the SAMD9L protein (p.Ser1224Thr). This variant is not present in population databases (gnomAD no frequency). This variant has not been reported in the literature in individuals affected with SAMD9L-related conditions. Advanced modeling of protein sequence and biophysical properties (such as structural, functional, and spatial information, amino acid conservation, physicochemical variation, residue mobility, and thermodynamic stability) performed at Invitae indicates that this missense variant is not expected to disrupt SAMD9L protein function with a negative predictive value of 80%. In summary, the available evidence is currently insufficient to determine the role of this variant in disease. Therefore, it has been classified as a Variant of Uncertain Significance.

NM_152703.5(SAMD9L):c.3670T>A (p.Ser1224Thr)

Gene: SAMD9L (sterile alpha motif domain containing 9 like; minus strand). Cytogenetic location: 7q21.2.
Variant type: single nucleotide variant.
Coding change: c.3670T>A on transcript NM_152703.5 (MANE Select); coding-DNA position 3670, T replaced by A.
Protein change: p.Ser1224Thr; replaces serine 1224 with threonine.
Molecular consequence: missense variant.
Genome position (GRCh38, 1-based): chr7:93,132,302, A>T on the plus strand (T>A on the coding strand, the complement: SAMD9L is on the minus strand). VCF-style: chr7-93132302-A-T. GRCh37 (hg19) VCF-style: chr7-92761615-A-T.
Other names: c.3670T>A, p.Ser1224Thr (NM_001303496.3, NM_001303497.3, NM_001303498.3 and 5 more transcripts); c.3670T>A (NM_152703.3, NM_152703.2); short protein forms S1224T.
Identifiers: ClinVar variation 2695210 (VCV002695210.5), dbSNP rs1199073260, ClinGen allele CA368180659.